The following is an entry in ClinVar:

NM_014956.5(CEP164):c.1245T>C (p.Phe415=)

Gene: CEP164 (centrosomal protein 164; plus strand). Cytogenetic location: 11q23.3.
Variant type: single nucleotide variant.
Coding change: c.1245T>C on transcript NM_014956.5 (MANE Select); coding-DNA position 1245, T replaced by C.
Protein change: p.Phe415=; no amino-acid change (phenylalanine 415 retained).
Molecular consequence: synonymous variant.
Genome position (GRCh38, 1-based): chr11:117,375,719, T>C. VCF-style: chr11-117375719-T-C. GRCh37 (hg19) VCF-style: chr11-117246435-T-C.
Other names: c.1245T>C, p.Phe415= (NM_001271933.2); c.1245T>C (NM_014956.4).
Identifiers: ClinVar variation 1098008 (VCV001098008.11), dbSNP rs555876739, ClinGen allele CA6294692.
Genomic context (GRCh38, chr11:117,375,719, plus strand): 5'-TTGACTGTGACAGAGGCAGAGTTGACCTTTGCATCTCCACTGTCTCCAGGACTTCGGTTT[T>C]CGCAGCCGGATCTCGGAGCACCTGCTGGATGTTGATGTGCTTTCCCCAGTCCTGGGTGGA-3'
Protein context (NP_055771.4, residues 405-425): PKSFHGLDFG[Phe415=]RSRISEHLLD

ClinVar aggregate classification (germline): Likely benign. Review status: criteria provided, multiple submitters, no conflicts (2 of 4 stars). 3 submissions from 3 submitters: Likely benign (3). Last evaluated 2026-03-01.

Conditions:
Nephronophthisis 15 (NPHP15). Identifiers: Orphanet 3156, MedGen C3541853, MONDO:0013917, OMIM 614845.
CEP164-related disorder. Also called: CEP164-related condition.

Allele frequency attached by ClinVar (database versions not stated): TOPMed 0.00001; gnomAD 0.00003; gnomAD exomes 0.00008 and 0.00017; 1000 Genomes Project 30x 0.00016; ExAC 0.00019; 1000 Genomes Project 0.00020.
gnomAD v4.1: 114 of 1,614,132 alleles (0.0071%); highest among the groups gnomAD compares: South Asian, 0.12%; no homozygotes.

Submissions (3):

PreventionGenetics, part of Exact Sciences
Classification: Likely benign for CEP164-related condition. Last evaluated: 2026-03-01. Review status: criteria provided, single submitter. Criteria: ACMG Guidelines, 2015. Collection method: clinical testing. Allele origin: germline.
Comment: This variant is classified as likely benign based on ACMG/AMP sequence variant interpretation guidelines (Richards et al. 2015 PMID: 25741868, with internal and published modifications).

Labcorp Genetics (formerly Invitae), Labcorp
Classification: Likely benign for Nephronophthisis 15. Last evaluated: 2024-12-06. Review status: criteria provided, single submitter. Criteria: Invitae Variant Classification Sherloc (09022015). Collection method: clinical testing. Allele origin: germline.

Blueprint Genetics
Classification: Likely benign. Last evaluated: 2024-03-05. Review status: criteria provided, single submitter. Criteria: ACMG Guidelines, 2015. Collection method: clinical testing. Allele origin: germline.